The following is an entry in ClinVar:

NM_173495.3(PTCHD1):c.855G>A (p.Leu285=)

Gene: PTCHD1 (patched domain containing 1; plus strand). Cytogenetic location: Xp22.11.
Variant type: single nucleotide variant.
Coding change: c.855G>A on transcript NM_173495.3 (MANE Select); coding-DNA position 855, G replaced by A.
Protein change: p.Leu285=; no amino-acid change (leucine 285 retained).
Molecular consequence: synonymous variant.
Genome position (GRCh38, 1-based): chrX:23,380,094, G>A. VCF-style: chrX-23380094-G-A. GRCh37 (hg19) VCF-style: chrX-23398211-G-A.
Identifiers: ClinVar variation 2660167 (VCV002660167.24), dbSNP rs2518760063, ClinGen allele CA515619927.

ClinVar aggregate classification (germline): Likely benign (1 of 4 stars; one submission).

Allele frequency attached by ClinVar (database versions not stated): gnomAD exomes 0.00001.
gnomAD v4.1: 10 of 1,211,977 alleles (0.00083%); highest among the groups gnomAD compares: South Asian, 0.007%; no homozygotes.

Submission:

CeGaT Center for Human Genetics Tuebingen
Classification: Likely benign. Last evaluated: 2023-03-01. Review status: criteria provided, single submitter. Criteria: CeGaT Center For Human Genetics Tuebingen Variant Classification Criteria Version 2. Collection method: clinical testing. Allele origin: germline. Affected: yes. Observed: 1 variant allele.
Comment: PTCHD1: PM2:Supporting, BP4, BP7